The following is an entry in ClinVar:

NM_000238.4(KCNH2):c.3007del (p.Asp1003fs)

Gene: KCNH2 (potassium voltage-gated channel subfamily H member 2; minus strand). Cytogenetic location: 7q36.1.
Variant type: Deletion.
Coding change: c.3007del on transcript NM_000238.4 (MANE Select); coding-DNA position 3007, one base deleted (G; older notation c.3007delG).
Protein change: p.Asp1003fs; shifts the reading frame from aspartic acid 1003.
Molecular consequence: frameshift variant.
Genome position (GRCh38, 1-based): chr7:150,947,473, C deleted on the plus strand (G on the coding strand, the reverse complement: KCNH2 is on the minus strand); the first of 6 consecutive C bases (chr7:150,947,473-150,947,478); deleting any one gives the same sequence. VCF-style (leftmost placement, unchanged base first): chr7-150947472-TC-T. GRCh37 (hg19) VCF-style: chr7-150644560-TC-T.
Other names: c.1987del, p.Asp663fs (NM_172057.3); short protein forms D1003fs, D663fs.
Identifiers: ClinVar variation 837649 (VCV000837649.1), dbSNP rs1800946921, ClinGen allele CA645565631.

ClinVar aggregate classification (germline): Pathogenic (1 of 4 stars; one submission).

Conditions:
Long QT syndrome (LQTS). Identifiers: MedGen C0023976, MeSH D008133, MONDO:0002442. Disease mechanism: loss of function. Inheritance: Various modes of inheritance.

Submission:

Labcorp Genetics (formerly Invitae), Labcorp
Classification: Pathogenic for Long QT syndrome. Last evaluated: 2020-01-13. Review status: criteria provided, single submitter. Criteria: Invitae Variant Classification Sherloc (09022015). Collection method: clinical testing. Allele origin: germline.
Comment: This sequence change creates a premature translational stop signal (p.Asp1003Thrfs*54) in the KCNH2 gene. It is expected to result in an absent or disrupted protein product. This variant is not present in population databases (ExAC no frequency). This variant has been observed in individuals affected with long QT syndrome (PMID: 19926013). Loss-of-function variants in KCNH2 are known to be pathogenic (PMID: 10973849, 19862833). For these reasons, this variant has been classified as Pathogenic.

Literature cited by the submitters: PubMed 19926013.